The following is an entry in ClinVar:

NM_005651.4(TDO2):c.685A>C (p.Asn229His)

Gene: TDO2 (tryptophan 2,3-dioxygenase; plus strand). Cytogenetic location: 4q32.1.
Variant type: single nucleotide variant.
Coding change: c.685A>C on transcript NM_005651.4 (MANE Select); coding-DNA position 685, A replaced by C.
Protein change: p.Asn229His; replaces asparagine 229 with histidine.
Molecular consequence: missense variant.
Genome position (GRCh38, 1-based): chr4:155,911,563, A>C. VCF-style: chr4-155911563-A-C. GRCh37 (hg19) VCF-style: chr4-156832715-A-C.
Other names: short protein forms N229H.
Identifiers: ClinVar variation 3060816 (VCV003060816.2), dbSNP rs116105292, ClinGen allele CA3118830.

ClinVar aggregate classification (germline): Benign (0 of 4 stars; one submission).

Conditions:
TDO2-related disorder. Also called: TDO2-related condition.

Allele frequency attached by ClinVar (database versions not stated): 1000 Genomes Project 30x 0.01015; 1000 Genomes Project 0.01118; TOPMed 0.02623; ExAC 0.03072; ESP Exome Variant Server 0.03470; gnomAD exomes 0.03993.
gnomAD v4.1: 61,973 of 1,600,778 alleles (3.9%); highest among the groups gnomAD compares: Non-Finnish European, 4.5%; 1,376 homozygotes.

Submission:

PreventionGenetics, part of Exact Sciences
Classification: Benign for TDO2-related condition. Last evaluated: 2019-07-30. Review status: no assertion criteria provided. Collection method: clinical testing. Allele origin: germline.
Comment: This variant is classified as benign based on ACMG/AMP sequence variant interpretation guidelines (Richards et al. 2015 PMID: 25741868, with internal and published modifications).